The following is an entry in ClinVar:

ClinVar aggregate classification (germline): Uncertain significance. Review status: criteria provided, single submitter (1 of 4 stars). 2 submissions from 2 submitters: Uncertain significance (1). 1 of the submissions does not count toward it. Last evaluated 2017-05-25.

Conditions:
CYP7A1-related disorder. Also called: CYP7A1-related condition.

Allele frequency attached by ClinVar (database versions not stated): gnomAD exomes below 0.00001; TOPMed below 0.00001; gnomAD 0.00001.
gnomAD v4.1: 3 of 1,613,984 alleles (0.00019%); highest among the groups gnomAD compares: Admixed American, 0.0033%; no homozygotes.

Submissions (2):

Eurofins Ntd Llc (ga)
Classification: Uncertain significance. Last evaluated: 2017-05-25. Review status: criteria provided, single submitter. Criteria: EGL Classification Definitions 2015. Collection method: clinical testing. Allele origin: germline. Observed: 1 variant allele, 1 heterozygote.

PreventionGenetics, part of Exact Sciences
Classification: Uncertain significance for CYP7A1-related condition. Last evaluated: 2023-12-21. Review status: no assertion criteria provided. Collection method: clinical testing. Allele origin: germline. Not counted in ClinVar's aggregate classification.
Comment: The CYP7A1 c.988G>A variant is predicted to result in the amino acid substitution p.Gly330Ser. To our knowledge, this variant has not been reported in the literature. This variant is reported in 0.12% of alleles in individuals of Latino descent in gnomAD. At this time, the clinical significance of this variant is uncertain due to the absence of conclusive functional and genetic evidence.

NM_000780.4(CYP7A1):c.988G>A (p.Gly330Ser)

Gene: CYP7A1 (cytochrome P450 family 7 subfamily A member 1; minus strand). Cytogenetic location: 8q12.1.
Variant type: single nucleotide variant.
Coding change: c.988G>A on transcript NM_000780.4 (MANE Select); coding-DNA position 988, G replaced by A.
Protein change: p.Gly330Ser; replaces glycine 330 with serine.
Molecular consequence: missense variant.
Genome position (GRCh38, 1-based): chr8:58,494,557, C>T on the plus strand (G>A on the coding strand, the complement: CYP7A1 is on the minus strand). VCF-style: chr8-58494557-C-T. GRCh37 (hg19) VCF-style: chr8-59407116-C-T.
Other names: c.988G>A (NM_000780.3); short protein forms G330S.
Identifiers: ClinVar variation 502270 (VCV000502270.7), dbSNP rs1199690733, ClinGen allele CA371292353.